The following is an entry in ClinVar:

NM_018418.5(SPATA7):c.357T>G (p.Phe119Leu)

Gene: SPATA7 (spermatogenesis associated 7; plus strand). Cytogenetic location: 14q31.3.
Variant type: single nucleotide variant.
Coding change: c.357T>G on transcript NM_018418.5 (MANE Select); coding-DNA position 357, T replaced by G.
Protein change: p.Phe119Leu; replaces phenylalanine 119 with leucine.
Molecular consequence: missense variant.
Genome position (GRCh38, 1-based): chr14:88,416,829, T>G. VCF-style: chr14-88416829-T-G. GRCh37 (hg19) VCF-style: chr14-88883173-T-G.
Other names: c.261T>G, p.Phe87Leu (NM_001040428.4); short protein forms F119L, F87L.
Identifiers: ClinVar variation 314779 (VCV000314779.15), dbSNP rs35137272, ClinGen allele CA7298499.
Genomic context (GRCh38, chr14:88,416,829, plus strand): 5'-GTTCAAATTAACTAAAACTGCAATGCGAGCCAATTATAAAAATAATTCCAAGTCACTTTT[T>G]AATACCTTACAAAAGGTAAGATAGTATTTTTATTTTTTAAAAGCAAATGTTTCTAAGGTA-3'
Protein context (NP_060888.2, residues 109-129): ANYKNNSKSL[Phe119Leu]NTLQKPSGEP

ClinVar aggregate classification (germline): Benign/Likely benign. Review status: criteria provided, multiple submitters, no conflicts (2 of 4 stars). 6 submissions from 5 submitters: Benign (4); Likely benign (2). Last evaluated 2026-02-04.

Conditions:
Leber congenital amaurosis 3 (LCA3). Also called: SPATA7-Related Retinitis Pigmentosa. Identifiers: MedGen C1858677, MONDO:0011415, OMIM 604232.
Retinitis pigmentosa (RP). Identifiers: Orphanet 791, MedGen C0035334, MeSH D012174, MONDO:0019200, OMIM 268000. Inheritance: Autosomal dominant, autosomal recessive and X linked inheritance.

Allele frequency attached by ClinVar (database versions not stated): gnomAD exomes 0.00924; ExAC 0.01131; gnomAD 0.03565 and 0.03845; 1000 Genomes Project 0.03874; TOPMed 0.04056; 1000 Genomes Project 30x 0.04154; ESP Exome Variant Server 0.04219.
gnomAD v4.1: 10,250 of 1,596,506 alleles (0.64%); highest among the groups gnomAD compares: African/African-American, 12%; 569 homozygotes.

Submissions (6):

Labcorp Genetics (formerly Invitae), Labcorp
Classification: Benign for Leber congenital amaurosis 3. Last evaluated: 2026-02-04. Review status: criteria provided, single submitter. Criteria: Invitae Variant Classification Sherloc (09022015). Collection method: clinical testing. Allele origin: germline.

Women's Health and Genetics/Laboratory Corporation of America, LabCorp
Classification: Likely benign. Last evaluated: 2021-12-10. Review status: criteria provided, single submitter. Criteria: LabCorp Variant Classification Summary - May 2015. Collection method: clinical testing. Allele origin: germline.

GeneDx
Classification: Benign. Last evaluated: 2019-10-01. Review status: criteria provided, single submitter. Criteria: GeneDx Variant Classification Process June 2021. Collection method: clinical testing. Allele origin: germline. Affected: yes.
Comment: This variant is associated with the following publications: (PMID: 30924900)

Illumina Laboratory Services, Illumina
Classification: Benign for Retinitis pigmentosa. Last evaluated: 2018-01-12. Review status: criteria provided, single submitter. Criteria: ICSL Variant Classification Criteria 13 December 2019. Collection method: clinical testing. Allele origin: germline.
Comment: This variant was observed in the ICSL laboratory as part of a predisposition screen in an ostensibly healthy population. It had not been previously curated by ICSL or reported in the Human Gene Mutation Database (HGMD: prior to June 1st, 2018), and was therefore a candidate for classification through an automated scoring system. Utilizing variant allele frequency, disease prevalence and penetrance estimates, and inheritance mode, an automated score was calculated to assess if this variant is too frequent to cause the disease. Based on the score and internal cut-off values, a variant classified as benign is not then subjected to further curation. The score for this variant resulted in a classification of benign for this disease.

Illumina Laboratory Services, Illumina
Classification: Benign for Leber congenital amaurosis 3. Last evaluated: 2018-01-12. Review status: criteria provided, single submitter. Criteria: ICSL Variant Classification Criteria 13 December 2019. Collection method: clinical testing. Allele origin: germline.
Comment: the same text as in the submission from Illumina Laboratory Services, Illumina above.

Breakthrough Genomics
Classification: Likely benign. Review status: criteria provided, single submitter. Criteria: ACMG Guidelines, 2015. Collection method: not provided. Allele origin: germline. Inheritance: Autosomal recessive inheritance. Affected: yes.